The following is an entry in ClinVar:

ClinVar aggregate classification (germline): Benign. Review status: criteria provided, multiple submitters, no conflicts (2 of 4 stars). 5 submissions from 5 submitters: Benign (5). Last evaluated 2026-02-02.

Conditions:
Cataract 23 (CTRCT23). Also called: Cataract 23, multiple types; CATARACT 23, LAMELLAR. Identifiers: Orphanet 91492, MedGen C3808012, MONDO:0012489, OMIM 610425.

Allele frequency attached by ClinVar (database versions not stated): gnomAD exomes 0.49492 and 0.51270; ExAC 0.51492; TOPMed 0.56959; ESP Exome Variant Server 0.57127; gnomAD 0.57470 and 0.57999; 1000 Genomes Project 0.58826; 1000 Genomes Project 30x 0.58948.
gnomAD v4.1: 810,933 of 1,610,650 alleles (50%); highest among the groups gnomAD compares: African/African-American, 75%; 208,852 homozygotes.

Submissions (5):

Labcorp Genetics (formerly Invitae), Labcorp
Classification: Benign for Cataract 23. Last evaluated: 2026-02-02. Review status: criteria provided, single submitter. Criteria: Invitae Variant Classification Sherloc (09022015). Collection method: clinical testing. Allele origin: germline.

Genome-Nilou Lab
Classification: Benign for Cataract 23. Last evaluated: 2021-07-30. Review status: criteria provided, single submitter. Criteria: ACMG Guidelines, 2015. Collection method: clinical testing. Allele origin: germline. Affected: no.

GeneDx
Classification: Benign. Last evaluated: 2018-06-19. Review status: criteria provided, single submitter. Criteria: GeneDx Variant Classification (06012015). Collection method: clinical testing. Allele origin: germline. Affected: yes.
Comment: This variant is considered likely benign or benign based on one or more of the following criteria: it is a conservative change, it occurs at a poorly conserved position in the protein, it is predicted to be benign by multiple in silico algorithms, and/or has population frequency not consistent with disease.

Breakthrough Genomics
Classification: Benign. Review status: criteria provided, single submitter. Criteria: ACMG Guidelines, 2015. Collection method: not provided. Allele origin: germline. Inheritance: Unknown mechanism. Affected: yes.

PreventionGenetics, part of Exact Sciences
Classification: Benign. Review status: criteria provided, single submitter. Criteria: ACMG Guidelines, 2015. Collection method: clinical testing. Allele origin: germline.

NM_001886.3(CRYBA4):c.159-20A>G

Gene: CRYBA4 (crystallin beta A4; plus strand). Cytogenetic location: 22q12.1.
Variant type: single nucleotide variant.
Coding change: c.159-20A>G on transcript NM_001886.3 (MANE Select); 20 bases into the intron before coding-DNA position 159, A replaced by G.
Molecular consequence: intron variant.
Genome position (GRCh38, 1-based): chr22:26,625,461, A>G. VCF-style: chr22-26625461-A-G. GRCh37 (hg19) VCF-style: chr22-27021425-A-G.
Identifiers: ClinVar variation 258486 (VCV000258486.14), dbSNP rs4276, ClinGen allele CA10165720.